The following is an entry in ClinVar:

NM_013266.4(CTNNA3):c.1369C>T (p.Pro457Ser)

Gene: CTNNA3 (catenin alpha 3; minus strand). Cytogenetic location: 10q21.3.
Variant type: single nucleotide variant.
Coding change: c.1369C>T on transcript NM_013266.4 (MANE Select); coding-DNA position 1369, C replaced by T.
Protein change: p.Pro457Ser; replaces proline 457 with serine.
Molecular consequence: missense variant.
Genome position (GRCh38, 1-based): chr10:66,621,697, G>A on the plus strand (C>T on the coding strand, the complement: CTNNA3 is on the minus strand). VCF-style: chr10-66621697-G-A. GRCh37 (hg19) VCF-style: chr10-68381455-G-A.
Other names: c.1369C>T, p.Pro457Ser (NM_001127384.3); short protein forms P457S.
Identifiers: ClinVar variation 5035026 (VCV005035026.1).
Genomic context (GRCh38, chr10:66,621,697, plus strand): 5'-AAGCATTAGGAATTATATATAATTTTACACACAAAAAGTAACTTAGTTGTCATACCTGTG[G>A]ACACAAGGTTTCCAAATGATTGGCTGCAATTTTGACAATTTTAATTCCATCTTCATTTGT-3'
Protein context (NP_037398.2, residues 447-467): IAANHLETLC[Pro457Ser]QIINAALALA

ClinVar aggregate classification (germline): Uncertain significance (1 of 4 stars; one submission).

gnomAD v4.1: 1 of 1,595,452 alleles (0.000063%); highest among the groups gnomAD compares: Non-Finnish European, 0.000086%; no homozygotes.

Submission:

Ambry Genetics
Classification: Uncertain significance. Last evaluated: 2026-07-24. Review status: criteria provided, single submitter. Criteria: Ambry Variant Classification Scheme 2023. Collection method: clinical testing. Allele origin: germline.
Comment: The p.P457S variant (also known as c.1369C>T), located in coding exon 9 of the CTNNA3 gene, results from a C to T substitution at nucleotide position 1369. The proline at codon 457 is replaced by serine, an amino acid with similar properties. This amino acid position is conserved. In addition, the in silico prediction for this alteration is inconclusive. Based on the available evidence, the clinical significance of this variant remains unclear.